The following is an entry in ClinVar:

NM_003816.3(ADAM9):c.853G>A (p.Val285Met)

Gene: ADAM9 (ADAM metallopeptidase domain 9; plus strand). Cytogenetic location: 8p11.22.
Variant type: single nucleotide variant.
Coding change: c.853G>A on transcript NM_003816.3 (MANE Select); coding-DNA position 853, G replaced by A.
Protein change: p.Val285Met; replaces valine 285 with methionine.
Molecular consequence: missense variant. On other transcripts: non-coding transcript variant (3).
Genome position (GRCh38, 1-based): chr8:39,023,264, G>A. VCF-style: chr8-39023264-G-A. GRCh37 (hg19) VCF-style: chr8-38880783-G-A.
Other names: short protein forms V285M.
Identifiers: ClinVar variation 1442007 (VCV001442007.6), dbSNP rs778356738, ClinGen allele CA370754222.

ClinVar aggregate classification (germline): Uncertain significance (1 of 4 stars; one submission).

Allele frequency attached by ClinVar (database versions not stated): gnomAD 0.00001; TOPMed 0.00001.
gnomAD v4.1: 10 of 1,613,486 alleles (0.00062%); highest among the groups gnomAD compares: Admixed American, 0.0017%; no homozygotes.

Submission:

Labcorp Genetics (formerly Invitae), Labcorp
Classification: Uncertain significance. Last evaluated: 2024-05-22. Review status: criteria provided, single submitter. Criteria: Invitae Variant Classification Sherloc (09022015). Collection method: clinical testing. Allele origin: germline.
Comment: This sequence change replaces valine, which is neutral and non-polar, with methionine, which is neutral and non-polar, at codon 285 of the ADAM9 protein (p.Val285Met). This variant is present in population databases (no rsID available, gnomAD 0.003%). This variant has not been reported in the literature in individuals affected with ADAM9-related conditions. ClinVar contains an entry for this variant (Variation ID: 1442007). Advanced modeling of protein sequence and biophysical properties (such as structural, functional, and spatial information, amino acid conservation, physicochemical variation, residue mobility, and thermodynamic stability) performed at Invitae indicates that this missense variant is not expected to disrupt ADAM9 protein function with a negative predictive value of 80%. In summary, the available evidence is currently insufficient to determine the role of this variant in disease. Therefore, it has been classified as a Variant of Uncertain Significance.